The following is an entry in ClinVar:

ClinVar aggregate classification (germline): Uncertain significance (1 of 4 stars; one submission).

gnomAD v4.1: 3 of 1,613,934 alleles (0.00019%); highest among the groups gnomAD compares: South Asian, 0.0033%; no homozygotes.

Submission:

Women's Health and Genetics/Laboratory Corporation of America, LabCorp
Classification: Uncertain significance. Last evaluated: 2025-01-17. Review status: criteria provided, single submitter. Criteria: LabCorp Variant Classification Summary - May 2015. Collection method: clinical testing. Allele origin: germline.
Comment: Variant summary: AGO2 c.2272-3T>C alters a non-conserved nucleotide located close to a canonical splice site and therefore could affect mRNA splicing, leading to a significantly altered protein sequence. Consensus agreement among computation tools predict no significant impact on normal splicing. However, these predictions have yet to be confirmed by functional studies. The variant allele was found at a frequency of 4e-06 in 251124 control chromosomes (gnomAD). The available data on variant occurrences in the general population are insufficient to allow any conclusion about variant significance. To our knowledge, no occurrence of c.2272-3T>C in individuals affected with Lessel-Kreienkamp Syndrome and no experimental evidence demonstrating its impact on protein function have been reported. No submitters have cited clinical-significance assessments for this variant to ClinVar. Based on the evidence outlined above, the variant was classified as uncertain significance.

NM_012154.5(AGO2):c.2272-3T>C

Gene: AGO2 (argonaute RISC catalytic component 2; minus strand). Cytogenetic location: 8q24.3.
Variant type: single nucleotide variant.
Coding change: c.2272-3T>C on transcript NM_012154.5 (MANE Select); 3 bases into the intron before coding-DNA position 2272, T replaced by C.
Molecular consequence: intron variant.
Genome position (GRCh38, 1-based): chr8:140,532,618, A>G on the plus strand (T>C on the coding strand, the complement: AGO2 is on the minus strand). VCF-style: chr8-140532618-A-G. GRCh37 (hg19) VCF-style: chr8-141542717-A-G.
Other names: c.2170-3T>C (NM_001164623.3).
Identifiers: ClinVar variation 3769552 (VCV003769552.2).